The following is an entry in ClinVar:

NM_000123.4(ERCC5):c.511C>A (p.Gln171Lys)

Genes: BIVM-ERCC5 (BIVM-ERCC5 readthrough; plus strand), ERCC5 (ERCC excision repair 5, endonuclease; plus strand). Cytogenetic location: 13q33.1.
Variant type: single nucleotide variant.
Coding change: c.511C>A on transcript NM_000123.4 (MANE Select); coding-DNA position 511, C replaced by A.
Protein change: p.Gln171Lys; replaces glutamine 171 with lysine.
Molecular consequence: missense variant.
Genome position (GRCh38, 1-based): chr13:102,856,095, C>A. VCF-style: chr13-102856095-C-A. GRCh37 (hg19) VCF-style: chr13-103508445-C-A.
Other names: c.1873C>A, p.Gln625Lys (NM_001204425.2); short protein forms Q171K, Q625K.
Identifiers: ClinVar variation 997504 (VCV000997504.3), dbSNP rs762256976, ClinGen allele CA7041187.

ClinVar aggregate classification (germline): Uncertain significance. Review status: criteria provided, multiple submitters, no conflicts (2 of 4 stars). 2 submissions from 2 submitters: Uncertain significance (2). Last evaluated 2025-02-19.

Conditions:
Inborn genetic diseases. Identifiers: MedGen C0950123, MeSH D030342.
Cerebrooculofacioskeletal syndrome 3 (COFS3). Identifiers: MedGen C1851443, MONDO:0014696, OMIM 616570.

Allele frequency attached by ClinVar (database versions not stated): gnomAD exomes below 0.00001; ExAC 0.00001; TOPMed 0.00002.
gnomAD v4.1: 1 of 1,613,654 alleles (0.000062%); highest among the groups gnomAD compares: African/African-American, 0.0013%; no homozygotes.

Submissions (2):

Ambry Genetics
Classification: Uncertain significance for Inborn genetic diseases. Last evaluated: 2025-02-19. Review status: criteria provided, single submitter. Criteria: Ambry Variant Classification Scheme 2023. Collection method: clinical testing. Allele origin: germline.

Baylor Genetics
Classification: Uncertain significance for Cerebrooculofacioskeletal syndrome 3. Last evaluated: 2020-12-04. Review status: criteria provided, single submitter. Criteria: ACMG Guidelines, 2015. Collection method: clinical testing. Allele origin: unknown. Affected: yes. Study: CSER-TexasKidsCanSeq.
Comment: This variant was determined to be of uncertain significance according to ACMG Guidelines, 2015 [PMID:25741868].